The following is an entry in ClinVar:

ClinVar aggregate classification (germline): Uncertain significance. Review status: criteria provided, multiple submitters, no conflicts (2 of 4 stars). 2 submissions from 2 submitters: Uncertain significance (2). Last evaluated 2023-03-27.

Allele frequency attached by ClinVar (database versions not stated): gnomAD exomes below 0.00001.
gnomAD v4.1: 2 of 1,613,912 alleles (0.00012%); highest among the groups gnomAD compares: Non-Finnish European, 0.00017%; no homozygotes.

Submissions (2):

Blueprint Genetics
Classification: Uncertain significance. Last evaluated: 2023-03-27. Review status: criteria provided, single submitter. Criteria: ACMG Guidelines, 2015. Collection method: clinical testing. Allele origin: germline.

Labcorp Genetics (formerly Invitae), Labcorp
Classification: Uncertain significance. Last evaluated: 2022-06-14. Review status: criteria provided, single submitter. Criteria: Invitae Variant Classification Sherloc (09022015). Collection method: clinical testing. Allele origin: germline.
Comment: In summary, the available evidence is currently insufficient to determine the role of this variant in disease. Therefore, it has been classified as a Variant of Uncertain Significance. This sequence change replaces glycine, which is neutral and non-polar, with arginine, which is basic and polar, at codon 128 of the IKZF1 protein (p.Gly128Arg). This variant is not present in population databases (gnomAD no frequency). This variant has not been reported in the literature in individuals affected with IKZF1-related conditions. Algorithms developed to predict the effect of missense changes on protein structure and function are either unavailable or do not agree on the potential impact of this missense change (SIFT: "Not Available"; PolyPhen-2: "Probably Damaging"; Align-GVGD: "Not Available").

NM_006060.6(IKZF1):c.382G>A (p.Gly128Arg)

Gene: IKZF1 (IKAROS family zinc finger 1; plus strand). Cytogenetic location: 7p12.2.
Variant type: single nucleotide variant.
Coding change: c.382G>A on transcript NM_006060.6 (MANE Select); coding-DNA position 382, G replaced by A.
Protein change: p.Gly128Arg; replaces glycine 128 with arginine.
Molecular consequence: missense variant. On other transcripts: intron variant (9).
Genome position (GRCh38, 1-based): chr7:50,376,754, G>A. VCF-style: chr7-50376754-G-A. GRCh37 (hg19) VCF-style: chr7-50444452-G-A.
Other names: c.382G>A, p.Gly128Arg (NM_001220765.3, NM_001220768.2, NM_001220771.2 and 1 more transcripts); c.442G>A, p.Gly148Arg (NM_001410879.1); c.161-5786G>A (NM_001291839.2, NM_001291838.2, NM_001220767.2 and 1 more transcripts); c.161-10591G>A (NM_001291841.1, NM_001291842.1); c.161-14975G>A (NM_001291843.1, NM_001291844.1); c.161-23164G>A (NM_001291840.1); short protein forms G148R, G128R.
Identifiers: ClinVar variation 2006261 (VCV002006261.5), dbSNP rs1810394908, ClinGen allele CA367528368.
Genomic context (GRCh38, chr7:50,376,754, plus strand): 5'-GGAGGCATTCGACTTCCTAACGGAAAACTAAAGTGTGATATCTGTGGGATCATTTGCATC[G>A]GGCCCAATGTGCTCATGGTTCACAAAAGAAGCCACACTGGTAAGGCCTGGCTCAGTTTTT-3'
Protein context (NP_006051.1, residues 118-138): KCDICGIICI[Gly128Arg]PNVLMVHKRS